The following is an entry in ClinVar:

NM_020223.4(FAM20C):c.824C>A (p.Thr275Asn)

Gene: FAM20C (FAM20C golgi associated secretory pathway kinase; plus strand). Cytogenetic location: 7p22.3.
Variant type: single nucleotide variant.
Coding change: c.824C>A on transcript NM_020223.4 (MANE Select); coding-DNA position 824, C replaced by A.
Protein change: p.Thr275Asn; replaces threonine 275 with asparagine.
Molecular consequence: missense variant.
Genome position (GRCh38, 1-based): chr7:208,937, C>A. VCF-style: chr7-208937-C-A. GRCh37 (hg19) VCF-style: chr7-208937-C-A.
Other names: short protein forms T275N.
Identifiers: ClinVar variation 2311972 (VCV002311972.3), dbSNP rs1372873508, ClinGen allele CA366519559.

ClinVar aggregate classification (germline): Uncertain significance. Review status: criteria provided, multiple submitters, no conflicts (2 of 4 stars). 2 submissions from 2 submitters: Uncertain significance (2). Last evaluated 2025-02-06.

Conditions:
Inborn genetic diseases. Identifiers: MedGen C0950123, MeSH D030342.

Allele frequency attached by ClinVar (database versions not stated): gnomAD exomes below 0.00001; TOPMed 0.00001; gnomAD 0.00001.
gnomAD v4.1: 4 of 1,585,348 alleles (0.00025%); highest among the groups gnomAD compares: Non-Finnish European, 0.00034%; no homozygotes.

Submissions (2):

Labcorp Genetics (formerly Invitae), Labcorp
Classification: Uncertain significance. Last evaluated: 2025-02-06. Review status: criteria provided, single submitter. Criteria: Invitae Variant Classification Sherloc (09022015). Collection method: clinical testing. Allele origin: germline.
Comment: This sequence change replaces threonine, which is neutral and polar, with asparagine, which is neutral and polar, at codon 275 of the FAM20C protein (p.Thr275Asn). This variant is not present in population databases (gnomAD no frequency). This variant has not been reported in the literature in individuals affected with FAM20C-related conditions. ClinVar contains an entry for this variant (Variation ID: 2311972). Invitae Evidence Modeling of protein sequence and biophysical properties (such as structural, functional, and spatial information, amino acid conservation, physicochemical variation, residue mobility, and thermodynamic stability) indicates that this missense variant is not expected to disrupt FAM20C protein function with a negative predictive value of 80%. In summary, the available evidence is currently insufficient to determine the role of this variant in disease. Therefore, it has been classified as a Variant of Uncertain Significance.

Ambry Genetics
Classification: Uncertain significance for Inborn genetic diseases. Last evaluated: 2022-09-14. Review status: criteria provided, single submitter. Criteria: Ambry Variant Classification Scheme 2023. Collection method: clinical testing. Allele origin: germline.